The following is an entry in ClinVar:

ClinVar aggregate classification (germline): Uncertain significance (1 of 4 stars; one submission).

Submission:

Dasa
Classification: Uncertain significance. Last evaluated: 2025-08-07. Review status: criteria provided, single submitter. Criteria: DASA Assertion Criteria. Collection method: clinical testing. Allele origin: germline.
Comment: NM_003107.3(SOX4):c.581C>G (p.Ala194Gly) is a missense variant that results in the substitution of alanine with glycine. This variant is rare in population databases. Computational prediction algorithms are consistent with a benign effect. The currently available literature and clinical evidence are not sufficient to establish a definitive association between this variant and the reported condition. Therefore, this variant is classified as a variant of uncertain significance.

NM_003107.3(SOX4):c.581C>G (p.Ala194Gly)

Gene: SOX4 (SRY-box transcription factor 4; plus strand). Cytogenetic location: 6p22.3.
Variant type: single nucleotide variant.
Coding change: c.581C>G on transcript NM_003107.3 (MANE Select); coding-DNA position 581, C replaced by G.
Protein change: p.Ala194Gly; replaces alanine 194 with glycine.
Molecular consequence: missense variant.
Genome position (GRCh38, 1-based): chr6:21,595,115, C>G. VCF-style: chr6-21595115-C-G. GRCh37 (hg19) VCF-style: chr6-21595346-C-G.
Other names: short protein forms A194G.
Identifiers: ClinVar variation 4884975 (VCV004884975.2).